The following is an entry in ClinVar:

ClinVar aggregate classification (germline): Pathogenic. Review status: criteria provided, single submitter (1 of 4 stars). 2 submissions from 2 submitters: Pathogenic (1). 1 of the submissions does not count toward it. Last evaluated 2024-05-21.

Conditions:
Cohen syndrome (COH1). Also called: Cutis verticis gyrata, retinitis pigmentosa, and sensorineural deafness; PEPPER SYNDROME. Identifiers: Orphanet 193, MedGen C0265223, MONDO:0008999, OMIM 216550.

Submissions (2):

Labcorp Genetics (formerly Invitae), Labcorp
Classification: Pathogenic for Cohen syndrome. Last evaluated: 2024-05-21. Review status: criteria provided, single submitter. Criteria: Invitae Variant Classification Sherloc (09022015). Collection method: clinical testing. Allele origin: germline.
Comment: This sequence change creates a premature translational stop signal (p.Phe1302Ilefs*13) in the VPS13B gene. It is expected to result in an absent or disrupted protein product. Loss-of-function variants in VPS13B are known to be pathogenic (PMID: 15141358, 16648375, 20461111). This variant is not present in population databases (gnomAD no frequency). This variant has not been reported in the literature in individuals affected with VPS13B-related conditions. ClinVar contains an entry for this variant (Variation ID: 370645). For these reasons, this variant has been classified as Pathogenic.

Counsyl
Classification: Likely pathogenic for Cohen syndrome. Last evaluated: 2016-03-15. Review status: no assertion criteria provided. Collection method: clinical testing. Allele origin: unknown. Not counted in ClinVar's aggregate classification.

Literature cited by the submitters: PubMed 15141358 (cited by Labcorp Genetics (formerly Invitae), Labcorp); PubMed 16648375 (cited by Labcorp Genetics (formerly Invitae), Labcorp); PubMed 20461111 (cited by Labcorp Genetics (formerly Invitae), Labcorp).

NM_152564.5(VPS13B):c.3902dup (p.Phe1302fs)

Gene: VPS13B (vacuolar protein sorting 13 homolog B; plus strand). Cytogenetic location: 8q22.2.
Variant type: Duplication.
Coding change: c.3902dup on transcript NM_152564.5 (MANE Select); coding-DNA position 3902, one base duplicated (C; older notation c.3902dupC).
Protein change: p.Phe1302fs; shifts the reading frame from phenylalanine 1302.
Molecular consequence: frameshift variant.
Genome position (GRCh38, 1-based): chr8:99,501,718, C duplicated; the last of 2 consecutive C bases (chr8:99,501,717-99,501,718); duplicating either gives the same sequence. VCF-style (leftmost placement, unchanged base first): chr8-99501716-A-AC. GRCh37 (hg19) VCF-style: chr8-100513944-A-AC.
Other names: c.3902dupC (NM_017890.4); c.3902dup, p.Phe1302fs (NM_017890.5); short protein forms F1302fs.
Identifiers: ClinVar variation 370645 (VCV000370645.6), dbSNP rs1057516653, ClinGen allele CA16041236.